The following is an entry in ClinVar:

ClinVar aggregate classification (germline): Uncertain significance (1 of 4 stars; one submission).

Allele frequency attached by ClinVar (database versions not stated): gnomAD 0.00001; gnomAD exomes 0.00001; TOPMed 0.00001.
gnomAD v4.1: 4 of 1,612,328 alleles (0.00025%); highest among the groups gnomAD compares: African/African-American, 0.004%; no homozygotes.

Submission:

Labcorp Genetics (formerly Invitae), Labcorp
Classification: Uncertain significance. Last evaluated: 2022-07-26. Review status: criteria provided, single submitter. Criteria: Invitae Variant Classification Sherloc (09022015). Collection method: clinical testing. Allele origin: germline.
Comment: This variant has not been reported in the literature in individuals affected with USH1C-related conditions. Algorithms developed to predict the effect of missense changes on protein structure and function are either unavailable or do not agree on the potential impact of this missense change (SIFT: "Tolerated"; PolyPhen-2: "Possibly Damaging"; Align-GVGD: "Class C15"). In summary, the available evidence is currently insufficient to determine the role of this variant in disease. Therefore, it has been classified as a Variant of Uncertain Significance. This variant is present in population databases (no rsID available, gnomAD 0.01%). This sequence change replaces threonine, which is neutral and polar, with isoleucine, which is neutral and non-polar, at codon 299 of the USH1C protein (p.Thr299Ile).

NM_153676.4(USH1C):c.896C>T (p.Thr299Ile)

Gene: USH1C (USH1 protein network component harmonin; minus strand). Cytogenetic location: 11p15.1.
Variant type: single nucleotide variant.
Coding change: c.896C>T on transcript NM_153676.4 (MANE Select); coding-DNA position 896, C replaced by T.
Protein change: p.Thr299Ile; replaces threonine 299 with isoleucine.
Molecular consequence: missense variant. On other transcripts: non-coding transcript variant (1).
Genome position (GRCh38, 1-based): chr11:17,522,907, G>A on the plus strand (C>T on the coding strand, the complement: USH1C is on the minus strand). VCF-style: chr11-17522907-G-A. GRCh37 (hg19) VCF-style: chr11-17544454-G-A.
Other names: c.839C>T, p.Thr280Ile (NM_001297764.2); c.896C>T, p.Thr299Ile (NM_005709.4); short protein forms T280I, T299I.
Identifiers: ClinVar variation 1900889 (VCV001900889.5), dbSNP rs1376998874, ClinGen allele CA379788331.